The following is an entry in ClinVar:

NM_000465.4(BARD1):c.339T>A (p.Asn113Lys)

Gene: BARD1 (BRCA1 associated RING domain 1; minus strand). Cytogenetic location: 2q35.
Variant type: single nucleotide variant.
Coding change: c.339T>A on transcript NM_000465.4 (MANE Select); coding-DNA position 339, T replaced by A.
Protein change: p.Asn113Lys; replaces asparagine 113 with lysine.
Molecular consequence: missense variant. On other transcripts: non-coding transcript variant (1), intron variant (2).
Genome position (GRCh38, 1-based): chr2:214,792,322, A>T on the plus strand (T>A on the coding strand, the complement: BARD1 is on the minus strand). VCF-style: chr2-214792322-A-T. GRCh37 (hg19) VCF-style: chr2-215657046-A-T.
Other names: c.282T>A, p.Asn94Lys (NM_001282543.2); c.339T>A, p.Asn113Lys (NM_001282549.2); c.158+17090T>A (NM_001282548.2); c.215+4739T>A (NM_001282545.2); short protein forms N113K, N94K.
Identifiers: ClinVar variation 1062364 (VCV001062364.10), dbSNP rs2106134527, ClinGen allele CA350460826.

ClinVar aggregate classification (germline): Uncertain significance (1 of 4 stars; one submission).

Conditions:
Familial cancer of breast. Also called: hereditary breast carcinoma; Hereditary breast cancer; BREAST CANCER, FAMILIAL. Identifiers: Orphanet 227535, MedGen C0346153, MONDO:0016419, OMIM 114480. Disease mechanism: loss of function.

Submission:

Labcorp Genetics (formerly Invitae), Labcorp
Classification: Uncertain significance for Familial cancer of breast. Last evaluated: 2020-05-14. Review status: criteria provided, single submitter. Criteria: Invitae Variant Classification Sherloc (09022015). Collection method: clinical testing. Allele origin: germline.
Comment: In summary, the available evidence is currently insufficient to determine the role of this variant in disease. Therefore, it has been classified as a Variant of Uncertain Significance. Algorithms developed to predict the effect of missense changes on protein structure and function are either unavailable or do not agree on the potential impact of this missense change (SIFT: "Deleterious"; PolyPhen-2: "Benign"; Align-GVGD: "Class C0"). This variant has not been reported in the literature in individuals with BARD1-related conditions. This variant is not present in population databases (ExAC no frequency). This sequence change replaces asparagine with lysine at codon 113 of the BARD1 protein (p.Asn113Lys). The asparagine residue is highly conserved and there is a moderate physicochemical difference between asparagine and lysine.